The following is an entry in ClinVar:

ClinVar aggregate classification (germline): Likely benign (1 of 4 stars; one submission).

gnomAD v4.1: 1 of 1,614,202 alleles (0.000062%); highest among the groups gnomAD compares: Non-Finnish European, 0.000085%; no homozygotes.

Submission:

CeGaT Center for Human Genetics Tuebingen
Classification: Likely benign. Last evaluated: 2026-01-01. Review status: criteria provided, single submitter. Criteria: CeGaT Center For Human Genetics Tuebingen Variant Classification Criteria Version 2. Collection method: clinical testing. Allele origin: germline. Affected: yes. Observed: 1 variant allele.
Comment: SLC32A1: BP4, BP7

NM_080552.3(SLC32A1):c.1137C>G (p.Arg379=)

Gene: SLC32A1 (solute carrier family 32 member 1; plus strand). Cytogenetic location: 20q11.23.
Variant type: single nucleotide variant.
Coding change: c.1137C>G on transcript NM_080552.3 (MANE Select); coding-DNA position 1137, C replaced by G.
Protein change: p.Arg379=; no amino-acid change (arginine 379 retained).
Molecular consequence: synonymous variant.
Genome position (GRCh38, 1-based): chr20:38,728,198, C>G. VCF-style: chr20-38728198-C-G. GRCh37 (hg19) VCF-style: chr20-37356841-C-G.
Identifiers: ClinVar variation 4822051 (VCV004822051.4).